The following is an entry in ClinVar:

NM_000263.4(NAGLU):c.230T>G (p.Val77Gly)

Genes: NAGLU (N-acetyl-alpha-glucosaminidase; plus strand), LOC130060903 (ATAC-STARR-seq lymphoblastoid silent region 8533; plus strand). Cytogenetic location: 17q21.2.
Variant type: single nucleotide variant.
Coding change: c.230T>G on transcript NM_000263.4 (MANE Select); coding-DNA position 230, T replaced by G.
Protein change: p.Val77Gly; replaces valine 77 with glycine.
Molecular consequence: missense variant.
Genome position (GRCh38, 1-based): chr17:42,536,502, T>G. VCF-style: chr17-42536502-T-G. GRCh37 (hg19) VCF-style: chr17-40688520-T-G.
Other names: short protein forms V77G.
Identifiers: ClinVar variation 638092 (VCV000638092.8), dbSNP rs1599253805, ClinGen allele CA399595735.
Genomic context (GRCh38, chr17:42,536,502, plus strand): 5'-CTGCCAAGCCGGGCTTGGACACCTACAGCCTGGGCGGCGGCGGCGCGGCGCGCGTGCGGG[T>G]GCGCGGCTCCACGGGCGTGGCGGCCGCCGCGGGGCTGCACCGCTACCTGCGCGACTTCTG-3'
Protein context (NP_000254.2, residues 67-87): LGGGGAARVR[Val77Gly]RGSTGVAAAA

ClinVar aggregate classification (germline): Pathogenic/Likely pathogenic. Review status: criteria provided, multiple submitters, no conflicts (2 of 4 stars). 3 submissions from 3 submitters: Pathogenic (1); Likely pathogenic (2). Last evaluated 2025-08-20.

Conditions:
Mucopolysaccharidosis, MPS-III-B (MPS3B). Also called: MPS III B; MUCOPOLYSACCHARIDOSIS, TYPE IIIB; N-ACETYL-ALPHA-D-GLUCOSAMINIDASE DEFICIENCY; NAGLU DEFICIENCY; SANFILIPPO SYNDROME B; Mucopolysaccharidosis type IIIB (Sanfilippo B). Identifiers: Orphanet 79270, MedGen C0086648, MONDO:0009656, OMIM 252920.
Charcot-Marie-Tooth disease axonal type 2V. Also called: CHARCOT-MARIE-TOOTH NEUROPATHY, TYPE 2V; CHARCOT-MARIE-TOOTH DISEASE, AXONAL, AUTOSOMAL DOMINANT, TYPE 2V. Identifiers: Orphanet 447964, MedGen C5569050, MONDO:0014665, OMIM 616491.

Submissions (3):

Myriad Genetics, Inc.
Classification: Likely pathogenic for Mucopolysaccharidosis, MPS-III-B. Last evaluated: 2025-08-20. Review status: criteria provided, single submitter. Criteria: Myriad Autosomal Dominant, Autosomal Recessive and X-Linked Classification Criteria (2023). Collection method: clinical testing. Allele origin: unknown.
Comment: NM_000263.3(NAGLU):c.230T>G(V77G) is a missense variant classified as likely pathogenic in the context of mucopolysaccharidosis type IIIB. V77G has been observed in cases with relevant disease (PMID: 16151907, 30809705, 33747789). Relevant functional assessments of this variant are available in the literature (PMID: 16151907). V77G has not been observed in referenced population frequency databases. In summary, NM_000263.3(NAGLU):c.230T>G(V77G) is a missense variant that has functional support for pathogenicity and has been observed more frequently in cases with the relevant disease than in healthy populations. Please note: this variant was assessed in the context of healthy population screening.

Labcorp Genetics (formerly Invitae), Labcorp
Classification: Pathogenic for Charcot-Marie-Tooth disease axonal type 2V; Mucopolysaccharidosis, MPS-III-B. Last evaluated: 2024-02-08. Review status: criteria provided, single submitter. Criteria: Invitae Variant Classification Sherloc (09022015). Collection method: clinical testing. Allele origin: germline.
Comment: This sequence change replaces valine, which is neutral and non-polar, with glycine, which is neutral and non-polar, at codon 77 of the NAGLU protein (p.Val77Gly). This variant is not present in population databases (gnomAD no frequency). This missense change has been observed in individual(s) with mucopolysaccharidosis type III (PMID: 16151907, 30809705, 33747789). ClinVar contains an entry for this variant (Variation ID: 638092). Advanced modeling of protein sequence and biophysical properties (such as structural, functional, and spatial information, amino acid conservation, physicochemical variation, residue mobility, and thermodynamic stability) performed at Invitae indicates that this missense variant is expected to disrupt NAGLU protein function with a positive predictive value of 95%. Experimental studies have shown that this missense change affects NAGLU function (PMID: 16151907). For these reasons, this variant has been classified as Pathogenic.

Laboratory of Diagnosis and Therapy of Lysosomal Disorders, University of Padova
Classification: Likely pathogenic for Mucopolysaccharidosis, MPS-III-B. Last evaluated: 2019-01-01. Review status: criteria provided, single submitter. Criteria: ACMG Guidelines, 2015. Collection method: literature only. Allele origin: germline. Affected: yes.
Comment: PS3: Low in vitro enzymatic activity. PM2: Absent from GnomAD

Literature cited by the submitters: PubMed 16151907 (cited by 3 submitters); PubMed 30809705 (cited by 3 submitters); PubMed 33747789 (cited by Myriad Genetics, Inc. and Labcorp Genetics (formerly Invitae), Labcorp).